The following is an entry in ClinVar:

NM_000492.4(CFTR):c.2537G>A (p.Trp846Ter)

Gene: CFTR (CF transmembrane conductance regulator; plus strand). Cytogenetic location: 7q31.2.
Variant type: single nucleotide variant.
Coding change: c.2537G>A on transcript NM_000492.4 (MANE Select); coding-DNA position 2537, G replaced by A.
Protein change: p.Trp846Ter; replaces tryptophan 846 with a stop codon.
Molecular consequence: nonsense.
Genome position (GRCh38, 1-based): chr7:117,594,976, G>A. VCF-style: chr7-117594976-G-A. GRCh37 (hg19) VCF-style: chr7-117235030-G-A.
Other names: short protein forms W846*.
Identifiers: ClinVar variation 53508 (VCV000053508.19), dbSNP rs397508393, ClinGen allele CA328104.

ClinVar aggregate classification (germline): Pathogenic. Review status: reviewed by expert panel (3 of 4 stars). 9 submissions from 9 submitters: Pathogenic (1). 8 of the submissions do not count toward it. Last evaluated 2017-03-17.

Conditions:
CFTR-related disorder (CFTR-RD). Also called: CFTR-related condition; CFTR-related disorders. Identifiers: MedGen C5924204, MONDO:7770004.
Bronchiectasis with or without elevated sweat chloride 1 (BESC1). Also called: Cystic Fibrosis-Like Syndrome. Identifiers: Orphanet 60033, MedGen C2749757, MONDO:0008887, OMIM 211400.
Cystic fibrosis (CF). Also called: MUCOVISCIDOSIS. Identifiers: Orphanet 586, MedGen C0010674, MONDO:0009061, OMIM 219700. Disease mechanism: loss of function.

Allele frequency attached by ClinVar (database versions not stated): TOPMed 0.00001; gnomAD 0.00001.
gnomAD v4.1: 11 of 1,612,642 alleles (0.00068%); highest among the groups gnomAD compares: Non-Finnish European, 0.00085%; no homozygotes.

Submissions (9):

CFTR2
Classification: Pathogenic for Cystic fibrosis. Last evaluated: 2017-03-17. Review status: reviewed by expert panel. Criteria: Sosnay PR et al. (Nat Genet 2013). Collection method: research. Allele origin: germline. Affected: yes. Study: CFTR2.

Natera, Inc.
Classification: Pathogenic for CFTR-related disorders. Last evaluated: 2025-02-06. Review status: criteria provided, single submitter. Criteria: Natera Variant Classification Schema (03/2026). Collection method: clinical testing. Allele origin: germline. Not counted in ClinVar's aggregate classification.
Comment: The c.2537G>A variant in CFTR is a nonsense variant predicted to introduce a stop codon at amino acid 846. This variant is expected to result in nonsense mediated decay, truncation, or a dysfunctional protein product. This variant is rare in the general population with a frequency below the threshold expected for the associated phenotype(s). This variant has been observed in one or more individuals affected with the associated recessive disease, as either homozygous or compound heterozygous with a second variant (PMID: 32084388). Given the available evidence, this variant is classified as Pathogenic.

Baylor Genetics
Classification: Pathogenic for Bronchiectasis with or without elevated sweat chloride 1. Last evaluated: 2024-01-16. Review status: criteria provided, single submitter. Criteria: ACMG Guidelines, 2015. Collection method: clinical testing. Allele origin: unknown. Not counted in ClinVar's aggregate classification.

Labcorp Genetics (formerly Invitae), Labcorp
Classification: Pathogenic for Cystic fibrosis. Last evaluated: 2023-02-27. Review status: criteria provided, single submitter. Criteria: Invitae Variant Classification Sherloc (09022015). Collection method: clinical testing. Allele origin: germline. Not counted in ClinVar's aggregate classification.
Comment: This premature translational stop signal has been observed in individual(s) with cystic fibrosis (PMID: 7689897). For these reasons, this variant has been classified as Pathogenic. Algorithms developed to predict the effect of sequence changes on RNA splicing suggest that this variant may disrupt the consensus splice site. ClinVar contains an entry for this variant (Variation ID: 53508). This variant is also known as W846X1. This variant is not present in population databases (gnomAD no frequency). This sequence change creates a premature translational stop signal (p.Trp846*) in the CFTR gene. It is expected to result in an absent or disrupted protein product. Loss-of-function variants in CFTR are known to be pathogenic (PMID: 1695717, 7691345, 9725922).

Women's Health and Genetics/Laboratory Corporation of America, LabCorp
Classification: Pathogenic. Last evaluated: 2018-09-04. Review status: criteria provided, single submitter. Criteria: LabCorp Variant Classification Summary - May 2015. Collection method: clinical testing. Allele origin: germline. Not counted in ClinVar's aggregate classification.
Comment: Variant summary: CFTR c.2537G>A (p.Trp846X) results in a premature termination codon, predicted to cause a truncation of the encoded protein or absence of the protein due to nonsense mediated decay, which are commonly known mechanisms for disease. Truncations downstream of this position have been classified as pathogenic by our laboratory (eg. c.2875delG/p.Ala959fsX9 and c.3266G>A/p.Trp1089X). 4/5 computational tools predict no significant impact on normal splicing. However, one study showed that this variant caused exon skipping in about 20% transcripts (Hinzpeter_2012). The variant was absent in 246134 control chromosomes (gnomAD). The variant, c.2537G>A, has been reported in the literature in multiple individuals affected with Cystic Fibrosis (Cheadle_1993, Sosnay_2013). These data indicate that the variant is very likely to be associated with disease. One reputable database (CFTR2) has submitted clinical-significance assessments for this variant to ClinVar after 2014 without evidence for independent evaluation and classified the variant as pathogenic. Based on the evidence outlined above, the variant was classified as pathogenic.

CFTR-France
Classification: Pathogenic for cystic fibrosis. Last evaluated: 2018-01-29. Review status: criteria provided, single submitter. Criteria: Claustres M et al. (Hum Mutat 2017). Collection method: curation. Allele origin: germline. Affected: yes. Not counted in ClinVar's aggregate classification.

Counsyl
Classification: Pathogenic for Cystic fibrosis. Last evaluated: 2015-08-05. Review status: no assertion criteria provided. Collection method: clinical testing. Allele origin: unknown. Not counted in ClinVar's aggregate classification.

Clinical Genetics DNA and cytogenetics Diagnostics Lab, Erasmus MC, Erasmus Medical Center
Classification: Pathogenic. Review status: no assertion criteria provided. Collection method: clinical testing. Allele origin: germline. Affected: yes. Study: VKGL Data-share Consensus. Not counted in ClinVar's aggregate classification.

Diagnostic Laboratory, Department of Genetics, University Medical Center Groningen
Classification: Pathogenic. Review status: no assertion criteria provided. Collection method: clinical testing. Allele origin: germline. Affected: yes. Study: VKGL Data-share Consensus. Not counted in ClinVar's aggregate classification.

Literature cited by the submitters: PubMed 32084388 (cited by Natera, Inc.); PubMed 7689897 (cited by Labcorp Genetics (formerly Invitae), Labcorp); PubMed 1695717 (cited by Labcorp Genetics (formerly Invitae), Labcorp); PubMed 7691345 (cited by Labcorp Genetics (formerly Invitae), Labcorp); PubMed 9725922 (cited by Labcorp Genetics (formerly Invitae), Labcorp); PubMed 7505689 (cited by Women's Health and Genetics/Laboratory Corporation of America, LabCorp); PubMed 23974870 (cited by Women's Health and Genetics/Laboratory Corporation of America, LabCorp and Counsyl); PubMed 23065710 (cited by Women's Health and Genetics/Laboratory Corporation of America, LabCorp and Counsyl).